The following is an entry in ClinVar:

NM_015488.5(PNKD):c.692A>C (p.Gln231Pro)

Genes: CATIP-AS2 (CATIP antisense RNA 2; minus strand), PNKD (PNKD metallo-beta-lactamase domain containing; plus strand). Cytogenetic location: 2q35.
Variant type: single nucleotide variant.
Coding change: c.692A>C on transcript NM_015488.5 (MANE Select); coding-DNA position 692, A replaced by C.
Protein change: p.Gln231Pro; replaces glutamine 231 with proline.
Molecular consequence: missense variant.
Genome position (GRCh38, 1-based): chr2:218,342,055, A>C. VCF-style: chr2-218342055-A-C. GRCh37 (hg19) VCF-style: chr2-219206778-A-C.
Other names: c.620A>C, p.Gln207Pro (NM_022572.5); short protein forms Q207P, Q231P.
Identifiers: ClinVar variation 935644 (VCV000935644.9), dbSNP rs1694693946, ClinGen allele CA350541124.

ClinVar aggregate classification (germline): Uncertain significance (1 of 4 stars; one submission).

Conditions:
Paroxysmal nonkinesigenic dyskinesia. Also called: Paroxysmal non-kinesigenic dyskinesia. Identifiers: Orphanet 98810, MedGen C1869117, MONDO:0700088.

Submission:

Labcorp Genetics (formerly Invitae), Labcorp
Classification: Uncertain significance for Paroxysmal nonkinesigenic dyskinesia. Last evaluated: 2023-10-25. Review status: criteria provided, single submitter. Criteria: Invitae Variant Classification Sherloc (09022015). Collection method: clinical testing. Allele origin: germline.
Comment: This sequence change replaces glutamine, which is neutral and polar, with proline, which is neutral and non-polar, at codon 231 of the PNKD protein (p.Gln231Pro). This variant is not present in population databases (gnomAD no frequency). This variant has not been reported in the literature in individuals affected with PNKD-related conditions. ClinVar contains an entry for this variant (Variation ID: 935644). Advanced modeling of protein sequence and biophysical properties (such as structural, functional, and spatial information, amino acid conservation, physicochemical variation, residue mobility, and thermodynamic stability) performed at Invitae indicates that this missense variant is not expected to disrupt PNKD protein function with a negative predictive value of 80%. In summary, the available evidence is currently insufficient to determine the role of this variant in disease. Therefore, it has been classified as a Variant of Uncertain Significance.